The following is an entry in ClinVar:

ClinVar aggregate classification (germline): Uncertain significance (1 of 4 stars; one submission).

Conditions:
Niemann-Pick disease, type C1. Also called: NEUROVISCERAL STORAGE DISEASE WITH VERTICAL SUPRANUCLEAR OPHTHALMOPLEGIA; NIEMANN-PICK DISEASE WITH CHOLESTEROL ESTERIFICATION BLOCK; NIEMANN-PICK DISEASE WITHOUT SPHINGOMYELINASE DEFICIENCY; NIEMANN-PICK DISEASE, CHRONIC NEURONOPATHIC FORM; NIEMANN-PICK DISEASE, VARIANT TYPE C1. Identifiers: Orphanet 646, MedGen C3179455, MONDO:0009757, OMIM 257220.

Allele frequency attached by ClinVar (database versions not stated): gnomAD exomes 0.00001.
gnomAD v4.1: 13 of 1,513,924 alleles (0.00086%); highest among the groups gnomAD compares: Non-Finnish European, 0.00027%; no homozygotes.

Submission:

Labcorp Genetics (formerly Invitae), Labcorp
Classification: Uncertain significance for Niemann-Pick disease, type C1. Last evaluated: 2022-02-18. Review status: criteria provided, single submitter. Criteria: Invitae Variant Classification Sherloc (09022015). Collection method: clinical testing. Allele origin: germline.
Comment: This sequence change replaces arginine, which is basic and polar, with serine, which is neutral and polar, at codon 647 of the NPC1 protein (p.Arg647Ser). This variant is present in population databases (no rsID available, gnomAD 0.02%). This variant has not been reported in the literature in individuals affected with NPC1-related conditions. Algorithms developed to predict the effect of missense changes on protein structure and function (SIFT, PolyPhen-2, Align-GVGD) all suggest that this variant is likely to be tolerated. In summary, the available evidence is currently insufficient to determine the role of this variant in disease. Therefore, it has been classified as a Variant of Uncertain Significance.

NM_000271.5(NPC1):c.1941G>C (p.Arg647Ser)

Gene: NPC1 (NPC intracellular cholesterol transporter 1; minus strand). Cytogenetic location: 18q11.2.
Variant type: single nucleotide variant.
Coding change: c.1941G>C on transcript NM_000271.5 (MANE Select); coding-DNA position 1941, G replaced by C.
Protein change: p.Arg647Ser; replaces arginine 647 with serine.
Molecular consequence: missense variant.
Genome position (GRCh38, 1-based): chr18:23,544,966, C>G on the plus strand (G>C on the coding strand, the complement: NPC1 is on the minus strand). VCF-style: chr18-23544966-C-G. GRCh37 (hg19) VCF-style: chr18-21124930-C-G.
Other names: short protein forms R647S.
Identifiers: ClinVar variation 2146593 (VCV002146593.1), dbSNP rs1333052052, ClinGen allele CA401772144.